The following is an entry in ClinVar:

ClinVar aggregate classification (germline): Likely pathogenic (1 of 4 stars; one submission).

Conditions:
Hydrocephalus, nonsyndromic, autosomal recessive 2. Also called: Hydrocephalus, congenital, 2, with or without brain or eye anomalies. Identifiers: Orphanet 2185, MedGen C3554691, MONDO:0014085, OMIM 615219.

Submission:

Juno Genomics, Hangzhou Juno Genomics, Inc
Classification: Likely pathogenic for Hydrocephalus, nonsyndromic, autosomal recessive 2. Review status: criteria provided, single submitter. Criteria: ACMG Guidelines, 2015. Collection method: clinical testing. Allele origin: germline.
Comment: Absent from controls (or at extremely low frequency if recessive) in Genome Aggregation Database.;Null variant in a gene where loss of function (LOF) is a known mechanism of disease.

NM_001378778.1(MPDZ):c.3143_3155del (p.Ile1048fs)

Gene: MPDZ (multiple PDZ domain crumbs cell polarity complex component; minus strand). Cytogenetic location: 9p23.
Variant type: Deletion.
Coding change: c.3143_3155del on transcript NM_001378778.1 (MANE Select); coding-DNA positions 3143 to 3155, 13 bases deleted (TTGCCATTGGGGA).
Protein change: p.Ile1048fs; shifts the reading frame from isoleucine 1048.
Molecular consequence: frameshift variant.
Genome position (GRCh38, 1-based): chr9:13,168,465-13,168,477, TCCCCAATGGCAA deleted on the plus strand (TTGCCATTGGGGA on the coding strand, the reverse complement: MPDZ is on the minus strand); deleting any 13 consecutive bases within chr9:13,168,465-13,168,480 gives the same sequence; the c. name uses the placement nearest the transcript's 3' end. VCF-style (leftmost placement, unchanged base first): chr9-13168464-GTCCCCAATGGCAA-G. GRCh37 (hg19) VCF-style: chr9-13168463-GTCCCCAATGGCAA-G.
Other names: c.3143_3155del, p.Ile1048fs (NM_001261406.2, NM_001261407.2, NM_001330637.2 and 14 more transcripts); short protein forms I1048fs.
Identifiers: ClinVar variation 5019919 (VCV005019919.2).